The following is an entry in ClinVar:

ClinVar aggregate classification (germline): Uncertain significance (1 of 4 stars; one submission).

Conditions:
Epileptic encephalopathy. Identifiers: MedGen C0543888, HP:0200134.

Allele frequency attached by ClinVar (database versions not stated): TOPMed 0.00003; gnomAD exomes 0.00002; gnomAD 0.00003 and 0.00004.

Submission:

Labcorp Genetics (formerly Invitae), Labcorp
Classification: Uncertain significance for Epileptic encephalopathy. Last evaluated: 2022-04-28. Review status: criteria provided, single submitter. Criteria: Invitae Variant Classification Sherloc (09022015). Collection method: clinical testing. Allele origin: germline.
Comment: This sequence change replaces alanine, which is neutral and non-polar, with threonine, which is neutral and polar, at codon 1300 of the FASN protein (p.Ala1300Thr). The frequency data for this variant in the population databases is considered unreliable, as metrics indicate poor data quality at this position in the gnomAD database. This variant has not been reported in the literature in individuals affected with FASN-related conditions. ClinVar contains an entry for this variant (Variation ID: 531033). Algorithms developed to predict the effect of missense changes on protein structure and function output the following: SIFT: "Tolerated"; PolyPhen-2: "Benign"; Align-GVGD: "Class C0". The threonine amino acid residue is found in multiple mammalian species, which suggests that this missense change does not adversely affect protein function. In summary, the available evidence is currently insufficient to determine the role of this variant in disease. Therefore, it has been classified as a Variant of Uncertain Significance.

NM_004104.5(FASN):c.3898G>A (p.Ala1300Thr)

Gene: FASN (fatty acid synthase; minus strand). Cytogenetic location: 17q25.3.
Variant type: single nucleotide variant.
Coding change: c.3898G>A on transcript NM_004104.5 (MANE Select); coding-DNA position 3898, G replaced by A.
Protein change: p.Ala1300Thr; replaces alanine 1300 with threonine.
Molecular consequence: missense variant.
Genome position (GRCh38, 1-based): chr17:82,085,706, C>T on the plus strand (G>A on the coding strand, the complement: FASN is on the minus strand). VCF-style: chr17-82085706-C-T. GRCh37 (hg19) VCF-style: chr17-80043582-C-T.
Other names: short protein forms A1300T.
Identifiers: ClinVar variation 531033 (VCV000531033.10), dbSNP rs746365737, ClinGen allele CA401549779.